The following is an entry in ClinVar:

NM_199355.4(ADAMTS18):c.3508C>T (p.Arg1170Ter)

Genes: ADAMTS18 (ADAM metallopeptidase with thrombospondin type 1 motif 18; minus strand), LOC126862407 (CDK7 strongly-dependent group 2 enhancer GRCh37_chr16:77322970-77324169; plus strand). Cytogenetic location: 16q23.1.
Variant type: single nucleotide variant.
Coding change: c.3508C>T on transcript NM_199355.4 (MANE Select); coding-DNA position 3508, C replaced by T.
Protein change: p.Arg1170Ter; replaces arginine 1170 with a stop codon.
Molecular consequence: nonsense.
Genome position (GRCh38, 1-based): chr16:77,289,306, G>A on the plus strand (C>T on the coding strand, the complement: ADAMTS18 is on the minus strand). VCF-style: chr16-77289306-G-A. GRCh37 (hg19) VCF-style: chr16-77323203-G-A.
Other names: c.2992C>T, p.Arg998Ter (NM_001326358.2); short protein forms R998*, R1170*.
Identifiers: ClinVar variation 2116553 (VCV002116553.5), dbSNP rs989553589, ClinGen allele CA396830380.

ClinVar aggregate classification (germline): Uncertain significance. Review status: criteria provided, multiple submitters, no conflicts (2 of 4 stars). 2 submissions from 2 submitters: Uncertain significance (2). Last evaluated 2022-09-01.

Allele frequency attached by ClinVar (database versions not stated): gnomAD 0.00001; gnomAD exomes 0.00001.
gnomAD v4.1: 16 of 1,613,976 alleles (0.00099%); highest among the groups gnomAD compares: Middle Eastern, 0.016%; no homozygotes.

Submissions (2):

Labcorp Genetics (formerly Invitae), Labcorp
Classification: Uncertain significance. Last evaluated: 2022-09-01. Review status: criteria provided, single submitter. Criteria: Invitae Variant Classification Sherloc (09022015). Collection method: clinical testing. Allele origin: germline.
Comment: In summary, the available evidence is currently insufficient to determine the role of this variant in disease. Therefore, it has been classified as a Variant of Uncertain Significance. Experimental studies and prediction algorithms are not available or were not evaluated, and the functional significance of this variant is currently unknown. This variant has not been reported in the literature in individuals affected with ADAMTS18-related conditions. This variant is present in population databases (no rsID available, gnomAD 0.006%). This sequence change creates a premature translational stop signal (p.Arg1170*) in the ADAMTS18 gene. While this is not anticipated to result in nonsense mediated decay, it is expected to disrupt the last 52 amino acid(s) of the ADAMTS18 protein.

Blueprint Genetics
Classification: Uncertain significance. Last evaluated: 2022-06-17. Review status: criteria provided, single submitter. Criteria: ACMG Guidelines, 2015. Collection method: clinical testing. Allele origin: germline.